The following is an entry in ClinVar:

ClinVar aggregate classification (germline): Pathogenic/Likely pathogenic. Review status: criteria provided, multiple submitters, no conflicts (2 of 4 stars). 3 submissions from 3 submitters: Pathogenic (1); Likely pathogenic (2). Last evaluated 2025-10-23.

Conditions:
3 beta-Hydroxysteroid dehydrogenase deficiency. Also called: 3b-hydroxysteroid dehydrogenase deficiency; ADRENAL HYPERPLASIA, CONGENITAL, DUE TO 3-BETA-HYDROXYSTEROID DEHYDROGENASE 2 DEFICIENCY; 3-BETA-HSD DEFICIENCY; ADRENAL HYPERPLASIA II; Congenital adrenal hyperplasia due to 3-beta-hydroxysteroid dehydrogenase deficiency. Identifiers: Orphanet 90791, MedGen C0342471, MeSH C538236, MONDO:0008727, OMIM 201810. Disease mechanism: loss of function.

Submissions (3):

Natera, Inc.
Classification: Likely pathogenic for 3 beta hydroxysteroid dehydrogenase deficiency. Last evaluated: 2025-10-23. Review status: criteria provided, single submitter. Criteria: Natera Variant Classification Schema (03/2026). Collection method: clinical testing. Allele origin: germline.
Comment: The c.131_132delAG variant in HSD3B2 is a frameshift variant predicted to shift the reading frame beginning at codon 44 and leads to a stop codon 4 codons downstream. This variant is expected to result in nonsense mediated decay, truncation, or a dysfunctional protein product. This variant is rare in the general population with a frequency below the threshold expected for the associated phenotype(s). Given the available evidence, this variant is classified as Likely Pathogenic.

Fulgent Genetics
Classification: Likely pathogenic for 3 beta-Hydroxysteroid dehydrogenase deficiency. Last evaluated: 2024-04-16. Review status: criteria provided, single submitter. Criteria: ACMG Guidelines, 2015. Collection method: clinical testing. Allele origin: germline.

Labcorp Genetics (formerly Invitae), Labcorp
Classification: Pathogenic. Last evaluated: 2023-04-15. Review status: criteria provided, single submitter. Criteria: Invitae Variant Classification Sherloc (09022015). Collection method: clinical testing. Allele origin: germline.
Comment: For these reasons, this variant has been classified as Pathogenic. This variant has not been reported in the literature in individuals affected with HSD3B2-related conditions. This sequence change creates a premature translational stop signal (p.Glu44Glyfs*4) in the HSD3B2 gene. It is expected to result in an absent or disrupted protein product. Loss-of-function variants in HSD3B2 are known to be pathogenic (PMID: 11196452). This variant is present in population databases (rs760846678, gnomAD 0.003%).

Literature cited by the submitters: PubMed 11196452 (cited by Labcorp Genetics (formerly Invitae), Labcorp).

NM_000198.4(HSD3B2):c.131_132del (p.Glu44fs)

Genes: HSD3B2 (hydroxy-delta-5-steroid dehydrogenase, 3 beta- and steroid delta-isomerase 2; plus strand), LOC109029530 (HSD3B2 5' regulatory region; plus strand). Cytogenetic location: 1p12.
Variant type: Microsatellite.
Coding change: c.131_132del on transcript NM_000198.4 (MANE Select); coding-DNA positions 131 to 132, 2 bases deleted (AG; older notation c.131_132delAG).
Protein change: p.Glu44fs; shifts the reading frame from glutamic acid 44.
Molecular consequence: frameshift variant.
Genome position (GRCh38, 1-based): chr1:119,415,550-119,415,551, AG deleted; deleting any 2 consecutive bases within chr1:119,415,545-119,415,551 gives the same sequence; the c. name uses the placement nearest the transcript's 3' end. VCF-style (leftmost placement, unchanged base first): chr1-119415544-TGA-T. GRCh37 (hg19) VCF-style: chr1-119958167-TGA-T.
Other names: c.131_132delAG (NM_000198.3); c.131_132del, p.Glu44fs (NM_001166120.2); short protein forms E44fs.
Identifiers: ClinVar variation 2961055 (VCV002961055.6), dbSNP rs760846678, ClinGen allele CA1035884.